The following is an entry in ClinVar:

NM_001379110.1(SLC9A6):c.1960G>C (p.Gly654Arg)

Gene: SLC9A6 (solute carrier family 9 member A6; plus strand). Cytogenetic location: Xq26.3.
Variant type: single nucleotide variant.
Coding change: c.1960G>C on transcript NM_001379110.1 (MANE Select); coding-DNA position 1960, G replaced by C.
Protein change: p.Gly654Arg; replaces glycine 654 with arginine.
Molecular consequence: missense variant.
Genome position (GRCh38, 1-based): chrX:136,044,644, G>C. VCF-style: chrX-136044644-G-C. GRCh37 (hg19) VCF-style: chrX-135126803-G-C.
Other names: c.2026G>C, p.Gly676Arg (NM_001042537.2); c.1870G>C, p.Gly624Arg (NM_001177651.2, NM_001400909.1, NM_001400910.1 and 2 more transcripts); c.1774G>C, p.Gly592Arg (NM_001330652.2, NM_001400913.1); c.1930G>C, p.Gly644Arg (NM_006359.3); short protein forms G592R, G624R, G644R, G654R, G676R.
Identifiers: ClinVar variation 3906695 (VCV003906695.2).

ClinVar aggregate classification (germline): Uncertain significance (1 of 4 stars; one submission).

Submission:

GeneDx
Classification: Uncertain significance. Last evaluated: 2026-09-24. Review status: criteria provided, single submitter. Criteria: GeneDx Variant Classification Process June 2021. Collection method: clinical testing. Allele origin: germline.
Comment: Not observed at significant frequency in large population cohorts (gnomAD); In silico analysis supports that this missense variant has a deleterious effect on protein structure/function; Has not been previously published as pathogenic or benign to our knowledge